The following is an entry in ClinVar:

NM_006060.6(IKZF1):c.369G>A (p.Gly123=)

Gene: IKZF1 (IKAROS family zinc finger 1; plus strand). Cytogenetic location: 7p12.2.
Variant type: single nucleotide variant.
Coding change: c.369G>A on transcript NM_006060.6 (MANE Select); coding-DNA position 369, G replaced by A.
Protein change: p.Gly123=; no amino-acid change (glycine 123 retained).
Molecular consequence: synonymous variant. On other transcripts: intron variant (9).
Genome position (GRCh38, 1-based): chr7:50,376,741, G>A. VCF-style: chr7-50376741-G-A. GRCh37 (hg19) VCF-style: chr7-50444439-G-A.
Other names: c.369G>A, p.Gly123= (NM_001220765.3, NM_001220768.2, NM_001220771.2 and 1 more transcripts); c.161-5799G>A (NM_001291839.2, NM_001291838.2, NM_001220767.2 and 1 more transcripts); c.161-10604G>A (NM_001291841.1, NM_001291842.1); c.161-14988G>A (NM_001291843.1, NM_001291844.1); c.161-23177G>A (NM_001291840.1).
Identifiers: ClinVar variation 1683635 (VCV001683635.26), dbSNP rs2153470067, ClinGen allele CA455160895.

ClinVar aggregate classification (germline): Uncertain significance. Review status: criteria provided, multiple submitters, no conflicts (2 of 4 stars). 2 submissions from 2 submitters: Uncertain significance (2). Last evaluated 2023-04-01.

Conditions:
Pancytopenia due to IKZF1 mutations. Also called: Immunodeficiency, common variable, 13. Identifiers: Orphanet 317473, MedGen C4225173, MONDO:0014810, OMIM 616873.

Submissions (2):

CeGaT Center for Human Genetics Tuebingen
Classification: Uncertain significance. Last evaluated: 2023-04-01. Review status: criteria provided, single submitter. Criteria: CeGaT Center For Human Genetics Tuebingen Variant Classification Criteria Version 2. Collection method: clinical testing. Allele origin: germline. Affected: yes. Observed: 2 variant alleles.
Comment: IKZF1: PM2:Supporting, BP4

Laboratorio de Genetica e Diagnostico Molecular, Hospital Israelita Albert Einstein
Classification: Uncertain significance for Pancytopenia due to IKZF1 mutations. Last evaluated: 2021-11-27. Review status: criteria provided, single submitter. Criteria: ACMG Guidelines, 2015. Collection method: clinical testing. Allele origin: germline. Affected: yes.
Comment: ACMG classification criteria: PM2 moderate